The following is an entry in ClinVar:

NM_006269.2(RP1):c.2342C>A (p.Ser781Ter)

Gene: RP1 (RP1 axonemal microtubule associated; plus strand). Cytogenetic location: 8q12.1.
Variant type: single nucleotide variant.
Coding change: c.2342C>A on transcript NM_006269.2 (MANE Select); coding-DNA position 2342, C replaced by A.
Protein change: p.Ser781Ter; replaces serine 781 with a stop codon.
Molecular consequence: nonsense. On other transcripts: intron variant (1).
Genome position (GRCh38, 1-based): chr8:54,626,224, C>A. VCF-style: chr8-54626224-C-A. GRCh37 (hg19) VCF-style: chr8-55538784-C-A.
Other names: c.787+3936C>A (NM_001375654.1); short protein forms S781*.
Identifiers: ClinVar variation 971745 (VCV000971745.9), dbSNP rs1293654827, ClinGen allele CA370993473.

ClinVar aggregate classification (germline): Pathogenic (1 of 4 stars; one submission).

Submission:

Labcorp Genetics (formerly Invitae), Labcorp
Classification: Pathogenic. Last evaluated: 2019-09-27. Review status: criteria provided, single submitter. Criteria: Invitae Variant Classification Sherloc (09022015). Collection method: clinical testing. Allele origin: germline.
Comment: For these reasons, this variant has been classified as Pathogenic. This variant disrupts the C-terminus of the RP1 protein. Many variants that disrupt this region have been reported in individuals with either autosomal dominant or autosomal recessive retinitis pigmentosa (PMID: 11527933, 19933189, 29425069, 30027431). Therefore, variants that disrupt this region are expected to be disease-causing. This variant has been observed in a family affected with autosomal dominant retinitis pigmentosa (PMID: 24940031). This variant is not present in population databases (ExAC no frequency). This sequence change results in a premature translational stop signal in the RP1 gene (p.Ser781*). While this is not anticipated to result in nonsense mediated decay, it is expected to disrupt the last 1376 amino acids of the RP1 protein.

Literature cited by the submitters: PubMed 11527933; PubMed 19933189; PubMed 29425069; PubMed 30027431; PubMed 24940031.